The following is an entry in ClinVar:

NM_001370259.2(MEN1):c.1523A>T (p.Gln508Leu)

Gene: MEN1 (menin 1; minus strand). Cytogenetic location: 11q13.1.
Variant type: single nucleotide variant.
Coding change: c.1523A>T on transcript NM_001370259.2 (MANE Select); coding-DNA position 1523, A replaced by T.
Protein change: p.Gln508Leu; replaces glutamine 508 with leucine.
Molecular consequence: missense variant. On other transcripts: non-coding transcript variant (4).
Genome position (GRCh38, 1-based): chr11:64,804,644, T>A on the plus strand (A>T on the coding strand, the complement: MEN1 is on the minus strand). VCF-style: chr11-64804644-T-A. GRCh37 (hg19) VCF-style: chr11-64572116-T-A.
Other names: c.1538A>T, p.Gln513Leu (NM_000244.4, NM_001407145.1, NM_130800.3 and 4 more transcripts); c.1649A>T, p.Gln550Leu (NM_001370251.2, NM_001407142.1, NM_001407143.1 and 1 more transcripts); c.1523A>T, p.Gln508Leu (NM_001370260.2, NM_001370261.2, NM_001407146.1 and 2 more transcripts); c.1418A>T, p.Gln473Leu (NM_001370262.2, NM_001370263.2, NM_001407148.1 and 1 more transcripts); c.1664A>T, p.Gln555Leu (NM_001407150.1); c.1544A>T, p.Gln515Leu (NM_001407151.1); c.1358A>T, p.Gln453Leu (NM_001407152.1); short protein forms Q453L, Q473L, Q508L, Q513L, Q515L, Q550L, Q555L.
Identifiers: ClinVar variation 3229067 (VCV003229067.1), dbSNP rs2497117328, ClinGen allele CA381178690.
Genomic context (GRCh38, chr11:64,804,644, plus strand): 5'-CCTCGGGCTGTGCCAGCGACAGTCCCAGGAGGCTTCCGGGGGGGTCCTGACACTGCACCC[T>A]GGCCGGTGCCCAGGCCCTTGTCCAGTGCTGGCTTCTTGGGCGGCGGGGGCTCCTCTGGCT-3'
Protein context (NP_001357188.2, residues 498-518): PALDKGLGTG[Gln508Leu]GAVSGPPRKP

ClinVar aggregate classification (germline): Uncertain significance (1 of 4 stars; one submission).

Conditions:
Hereditary cancer-predisposing syndrome. Also called: Neoplastic Syndromes, Hereditary; Tumor predisposition; Hereditary neoplastic syndrome; Hereditary Cancer Syndrome. Identifiers: Orphanet 140162, MedGen C0027672, MeSH D009386, MONDO:0015356.

Submission:

Ambry Genetics
Classification: Uncertain significance for Hereditary cancer-predisposing syndrome. Last evaluated: 2023-12-13. Review status: criteria provided, single submitter. Criteria: Ambry Variant Classification Scheme 2023. Collection method: clinical testing. Allele origin: germline.
Comment: The p.Q508L variant (also known as c.1523A>T), located in coding exon 9 of the MEN1 gene, results from an A to T substitution at nucleotide position 1523. The glutamine at codon 508 is replaced by leucine, an amino acid with dissimilar properties. This amino acid position is conserved. In addition, the in silico prediction for this alteration is inconclusive. Since supporting evidence is limited at this time, the clinical significance of this alteration remains unclear.